The following is an entry in ClinVar:

ClinVar aggregate classification (germline): Uncertain significance (1 of 4 stars; one submission).

Conditions:
Hereditary cancer-predisposing syndrome. Also called: Neoplastic Syndromes, Hereditary; Tumor predisposition; Hereditary neoplastic syndrome; Hereditary Cancer Syndrome. Identifiers: Orphanet 140162, MedGen C0027672, MeSH D009386, MONDO:0015356.

Submission:

Ambry Genetics
Classification: Uncertain significance for Hereditary cancer-predisposing syndrome. Last evaluated: 2024-04-16. Review status: criteria provided, single submitter. Criteria: Ambry Variant Classification Scheme 2023. Collection method: clinical testing. Allele origin: germline.
Comment: The p.P233R variant (also known as c.698C>G), located in coding exon 3 of the TMEM127 gene, results from a C to G substitution at nucleotide position 698. The proline at codon 233 is replaced by arginine, an amino acid with dissimilar properties. This amino acid position is conserved. In addition, this alteration is predicted to be deleterious by in silico analysis. Based on the available evidence, the clinical significance of this variant remains unclear.

NM_017849.4(TMEM127):c.698C>G (p.Pro233Arg)

Gene: TMEM127 (transmembrane protein 127; minus strand). Cytogenetic location: 2q11.2.
Variant type: single nucleotide variant.
Coding change: c.698C>G on transcript NM_017849.4 (MANE Select); coding-DNA position 698, C replaced by G.
Protein change: p.Pro233Arg; replaces proline 233 with arginine.
Molecular consequence: missense variant.
Genome position (GRCh38, 1-based): chr2:96,253,827, G>C on the plus strand (C>G on the coding strand, the complement: TMEM127 is on the minus strand). VCF-style: chr2-96253827-G-C. GRCh37 (hg19) VCF-style: chr2-96919565-G-C.
Other names: c.698C>G, p.Pro233Arg (NM_001193304.3); c.446C>G, p.Pro149Arg (NM_001407282.1, NM_001407283.1); short protein forms P149R, P233R.
Identifiers: ClinVar variation 3326697 (VCV003326697.1).